The following is an entry in ClinVar:

NM_130839.5(UBE3A):c.1415T>A (p.Phe472Tyr)

Genes: SNHG14 (small nucleolar RNA host gene 14; plus strand), UBE3A (ubiquitin protein ligase E3A; minus strand). Cytogenetic location: 15q11.2.
Variant type: single nucleotide variant.
Coding change: c.1415T>A on transcript NM_130839.5 (MANE Select); coding-DNA position 1415, T replaced by A.
Protein change: p.Phe472Tyr; replaces phenylalanine 472 with tyrosine.
Molecular consequence: missense variant. On other transcripts: non-coding transcript variant (1), intron variant (2).
Genome position (GRCh38, 1-based): chr15:25,370,759, A>T on the plus strand (T>A on the coding strand, the complement: UBE3A is on the minus strand). VCF-style: chr15-25370759-A-T. GRCh37 (hg19) VCF-style: chr15-25615906-A-T.
Other names: c.1424T>A, p.Phe475Tyr (NM_000462.5); c.1415T>A, p.Phe472Tyr (NM_001354505.1, NM_001354538.2, NM_001354545.2); c.1355T>A, p.Phe452Tyr (NM_001354506.2, NM_001354507.2, NM_001354508.2 and 17 more transcripts); c.1238T>A, p.Phe413Tyr (NM_001354546.2); c.301+4706T>A (NM_001354551.2); c.361+4706T>A (NM_001354550.2); short protein forms F413Y, F452Y, F472Y, F475Y.
Identifiers: ClinVar variation 1802112 (VCV001802112.1), dbSNP rs2552191503, ClinGen allele CA391353647.

ClinVar aggregate classification (germline): Uncertain significance (1 of 4 stars; one submission).

Submission:

GeneDx
Classification: Uncertain significance. Last evaluated: 2021-11-19. Review status: criteria provided, single submitter. Criteria: GeneDx Variant Classification Process June 2021. Collection method: clinical testing. Allele origin: germline. Affected: yes.
Comment: Has not been previously published as pathogenic or benign to our knowledge; Not observed at significant frequency in large population cohorts (gnomAD); In silico analysis supports that this missense variant has a deleterious effect on protein structure/function